The following is an entry in ClinVar:

ClinVar aggregate classification (germline): Likely pathogenic (1 of 4 stars; one submission).

Conditions:
Marfan syndrome (MFS). Also called: MARFAN SYNDROME, TYPE I; Marfan syndrome type 1; Marfan's syndrome; Marfan syndrome, classic; FBN1-Related Marfan Syndrome. Identifiers: Orphanet 284963, Orphanet 558, MedGen C0024796, MONDO:0007947, OMIM 154700.
Familial thoracic aortic aneurysm and aortic dissection (TAAD). Also called: Thoracic aortic aneurysms and dissections. Identifiers: Orphanet 91387, MedGen C4707243, MONDO:0019625.

Submission:

Labcorp Genetics (formerly Invitae), Labcorp
Classification: Likely pathogenic for Marfan syndrome; Familial thoracic aortic aneurysm and aortic dissection. Last evaluated: 2022-11-03. Review status: criteria provided, single submitter. Criteria: Invitae Variant Classification Sherloc (09022015). Collection method: clinical testing. Allele origin: germline.
Comment: This variant affects a cysteine residue in the EGF-like, TGFBP or hybrid motif domains of FBN1. Cysteine residues are believed to be involved in intramolecular disulfide bridges and have been shown to be important for FBN1 protein structure (PMID: 16905551, 19349279). In addition, missense substitutions affecting cysteine residues within these domains are significantly overrepresented among patients with Marfan syndrome (PMID: 16571647, 17701892). Advanced modeling of protein sequence and biophysical properties (such as structural, functional, and spatial information, amino acid conservation, physicochemical variation, residue mobility, and thermodynamic stability) performed at Invitae indicates that this missense variant is expected to disrupt FBN1 protein function. This variant has not been reported in the literature in individuals affected with FBN1-related conditions. This variant is not present in population databases (gnomAD no frequency). This sequence change replaces cysteine, which is neutral and slightly polar, with glycine, which is neutral and non-polar, at codon 2232 of the FBN1 protein (p.Cys2232Gly). In summary, the currently available evidence indicates that the variant is pathogenic, but additional data are needed to prove that conclusively. Therefore, this variant has been classified as Likely Pathogenic.

Literature cited by the submitters: PubMed 16905551; PubMed 19349279; PubMed 16571647; PubMed 17701892.

NM_000138.5(FBN1):c.6694T>G (p.Cys2232Gly)

Gene: FBN1 (fibrillin 1; minus strand). Cytogenetic location: 15q21.1.
Variant type: single nucleotide variant.
Coding change: c.6694T>G on transcript NM_000138.5 (MANE Select); coding-DNA position 6694, T replaced by G.
Protein change: p.Cys2232Gly; replaces cysteine 2232 with glycine.
Molecular consequence: missense variant.
Genome position (GRCh38, 1-based): chr15:48,432,911, A>C on the plus strand (T>G on the coding strand, the complement: FBN1 is on the minus strand). VCF-style: chr15-48432911-A-C. GRCh37 (hg19) VCF-style: chr15-48725108-A-C.
Other names: c.6694T>G, p.Cys2232Gly (NM_001406716.1); short protein forms C2232G.
Identifiers: ClinVar variation 2940351 (VCV002940351.3), dbSNP rs869025411, ClinGen allele CA392333391.